The following is an entry in ClinVar:

ClinVar aggregate classification (germline): Conflicting classifications of pathogenicity. Review status: criteria provided, conflicting classifications (1 of 4 stars). 4 submissions from 4 submitters: Uncertain significance (1); Likely benign (2). 1 of the submissions does not count toward it. Last evaluated 2025-05-30.

Conditions:
ACADS-related disorder. Also called: ACADS-related condition.
Deficiency of butyryl-CoA dehydrogenase (ACADSD). Also called: Short-Chain Acyl-CoA Dehydrogenase Deficiency; ACYL-CoA DEHYDROGENASE, SHORT-CHAIN, DEFICIENCY OF; SCADH DEFICIENCY; SCAD DEFICIENCY, MILD; SCAD Deficiency; ACADS DEFICIENCY. Identifiers: Orphanet 26792, MedGen C0342783, MONDO:0008722, OMIM 201470. Disease mechanism: May be benign.

Allele frequency attached by ClinVar (database versions not stated): gnomAD exomes 0.00010 and 0.00016; ExAC 0.00022; gnomAD 0.00053 and 0.00056; TOPMed 0.00054; ESP Exome Variant Server 0.00092; 1000 Genomes Project 30x 0.00094; 1000 Genomes Project 0.00100.
gnomAD v4.1: 236 of 1,614,210 alleles (0.015%); highest among the groups gnomAD compares: African/African-American, 0.18%; no homozygotes.

Submissions (4):

Labcorp Genetics (formerly Invitae), Labcorp
Classification: Likely benign for Deficiency of butyryl-CoA dehydrogenase. Last evaluated: 2025-05-30. Review status: criteria provided, single submitter. Criteria: Invitae Variant Classification Sherloc (09022015). Collection method: clinical testing. Allele origin: germline.

Genome-Nilou Lab
Classification: Likely benign for Deficiency of butyryl-CoA dehydrogenase. Last evaluated: 2021-11-07. Review status: criteria provided, single submitter. Criteria: ACMG Guidelines, 2015. Collection method: clinical testing. Allele origin: germline. Affected: no.

Illumina Laboratory Services, Illumina
Classification: Uncertain significance for Deficiency of butyryl-CoA dehydrogenase. Last evaluated: 2017-04-27. Review status: criteria provided, single submitter. Criteria: ICSL Variant Classification Criteria 13 December 2019. Collection method: clinical testing. Allele origin: germline.

PreventionGenetics, part of Exact Sciences
Classification: Likely benign for ACADS-related condition. Last evaluated: 2023-08-30. Review status: no assertion criteria provided. Collection method: clinical testing. Allele origin: germline. Not counted in ClinVar's aggregate classification.
Comment: This variant is classified as likely benign based on ACMG/AMP sequence variant interpretation guidelines (Richards et al. 2015 PMID: 25741868, with internal and published modifications).

NM_000017.4(ACADS):c.669G>A (p.Thr223=)

Gene: ACADS (acyl-CoA dehydrogenase short chain; plus strand). Cytogenetic location: 12q24.31.
Variant type: single nucleotide variant.
Coding change: c.669G>A on transcript NM_000017.4 (MANE Select); coding-DNA position 669, G replaced by A.
Protein change: p.Thr223=; no amino-acid change (threonine 223 retained).
Molecular consequence: synonymous variant.
Genome position (GRCh38, 1-based): chr12:120,738,324, G>A. VCF-style: chr12-120738324-G-A. GRCh37 (hg19) VCF-style: chr12-121176127-G-A.
Other names: c.657G>A, p.Thr219= (NM_001302554.2).
Identifiers: ClinVar variation 772442 (VCV000772442.16), dbSNP rs17848089, ClinGen allele CA6831033.